The following is an entry in ClinVar:

NM_078470.6(COX15):c.839T>C (p.Phe280Ser)

Gene: COX15 (cytochrome c oxidase assembly homolog COX15; minus strand). Cytogenetic location: 10q24.2.
Variant type: single nucleotide variant.
Coding change: c.839T>C on transcript NM_078470.6 (MANE Select); coding-DNA position 839, T replaced by C.
Protein change: p.Phe280Ser; replaces phenylalanine 280 with serine.
Molecular consequence: missense variant. On other transcripts: intron variant (2).
Genome position (GRCh38, 1-based): chr10:99,718,494, A>G on the plus strand (T>C on the coding strand, the complement: COX15 is on the minus strand). VCF-style: chr10-99718494-A-G. GRCh37 (hg19) VCF-style: chr10-101478251-A-G.
Other names: c.839T>C, p.Phe280Ser (NM_001320974.2, NM_001372024.1, NM_001372025.1 and 2 more transcripts); c.302T>C, p.Phe101Ser (NM_001320976.2); c.812T>C, p.Phe271Ser (NM_001372026.1); c.833-2033T>C (NM_001372028.1, NM_001320975.2); short protein forms F101S, F271S, F280S.
Identifiers: ClinVar variation 1805607 (VCV001805607.1), dbSNP rs2492679787, ClinGen allele CA378102294.
Genomic context (GRCh38, chr10:99,718,494, plus strand): 5'-CAGGATTCTCCCATTTTGGGAAAGGAGTTATAAACAAGCCCAGCATCTAGCCCTGCCACA[A>G]AAGCCCCTGTATTCCAAGGTAAATGGTATTTATTAAAATGAGAGGAAGAAGAGACCAAAT-3'
Protein context (NP_510870.1, residues 270-290): LVFLTALSGA[Phe280Ser]VAGLDAGLVY

ClinVar aggregate classification (germline): Likely pathogenic (1 of 4 stars; one submission).

Conditions:
Cardioencephalomyopathy, fatal infantile, due to cytochrome c oxidase deficiency 2 (MC4DN6). Also called: MITOCHONDRIAL COMPLEX IV DEFICIENCY, NUCLEAR TYPE 6. Identifiers: Orphanet 1561, MedGen C3554534, MONDO:0014051, OMIM 615119.

Allele frequency attached by ClinVar (database versions not stated): gnomAD exomes below 0.00001.
gnomAD v4.1: 2 of 1,614,212 alleles (0.00012%); highest among the groups gnomAD compares: East Asian, 0.0022%; no homozygotes.

Submission:

Victorian Clinical Genetics Services, Murdoch Childrens Research Institute
Classification: Likely pathogenic for Cardioencephalomyopathy, fatal infantile, due to cytochrome c oxidase deficiency 2. Last evaluated: 2021-05-06. Review status: criteria provided, single submitter. Criteria: ACMG Guidelines, 2015. Collection method: clinical testing. Allele origin: germline. Inheritance: Autosomal recessive inheritance. Affected: yes.
Comment: Based on the classification scheme VCGS_Germline_v1.3.4, this variant is classified as Likely pathogenic. Following criteria are met: 0102 - Loss of function is a known mechanism of disease in this gene and is associated with Leigh syndrome due to cytochrome c oxidase deficiency (MIM#256000). (I) 0106 - This gene is associated with autosomal recessive disease. (I) 0200 - Variant is predicted to result in a missense amino acid change from phenylalanine to serine. (I) 0251 - This variant is heterozygous. (I) 0301 - Variant is absent from gnomAD (both v2 and v3). (SP) 0501 - Missense variant consistently predicted to be damaging by multiple in silico tools or highly conserved with a major amino acid change. (SP) 0600 - Variant is located in the annotated cytochrome oxidase assembly protein (PDB). (I) 0705 - No comparable missense variants have previous evidence for pathogenicity. (I) 0807 - This variant has no previous evidence of pathogenicity. (I) 0905 - No published segregation evidence has been identified for this variant. (I) 1001 - This variant has strong functional evidence supporting abnormal protein function. Functional studies have clearly demonstrated a significant reduction in complex IV in patient fibroblasts (Prof. D. Thorburn, personal communication). (SP) 1201 - Heterozygous variant detected in trans with a second likely pathogenic heterozygous variant (p.(Gly96Val)) in a recessive disease. (I) Legend: (SP) - Supporting pathogenic, (I) - Information, (SB) - Supporting benign